The following is an entry in ClinVar:

NM_000334.4(SCN4A):c.4555T>A (p.Phe1519Ile)

Genes: GH-LCR (growth hormone locus control region; plus strand), SCN4A (sodium voltage-gated channel alpha subunit 4; minus strand). Cytogenetic location: 17q23.3.
Variant type: single nucleotide variant.
Coding change: c.4555T>A on transcript NM_000334.4 (MANE Select); coding-DNA position 4555, T replaced by A.
Protein change: p.Phe1519Ile; replaces phenylalanine 1519 with isoleucine.
Molecular consequence: missense variant.
Genome position (GRCh38, 1-based): chr17:63,941,727, A>T on the plus strand (T>A on the coding strand, the complement: SCN4A is on the minus strand). VCF-style: chr17-63941727-A-T. GRCh37 (hg19) VCF-style: chr17-62019087-A-T.
Other names: short protein forms F1519I.
Identifiers: ClinVar variation 2092128 (VCV002092128.4), dbSNP rs2509284825, ClinGen allele CA400615763.
Genomic context (GRCh38, chr17:63,941,727, plus strand): 5'-CCCAGCCGGCCGACGTGGTGATCTCGAACAGGCAGATGATGCTGTTGCCGAAGGTCTCGA[A>T]GTTGAACATATCATCGATGCCCGACTCCTTCTTGACGTAGGCAAAGTTGGACATGCCGAA-3'
Protein context (NP_000325.4, residues 1509-1529): KESGIDDMFN[Phe1519Ile]ETFGNSIICL

ClinVar aggregate classification (germline): Uncertain significance (1 of 4 stars; one submission).

Conditions:
Hyperkalemic periodic paralysis. Also called: Familial hyperkalemic periodic paralysis; Gamstorp disease. Identifiers: Orphanet 682, MedGen C0238357, MONDO:0008224, OMIM 170500, HP:0007215.

Submission:

Labcorp Genetics (formerly Invitae), Labcorp
Classification: Uncertain significance for Hyperkalemic periodic paralysis. Last evaluated: 2022-03-08. Review status: criteria provided, single submitter. Criteria: Invitae Variant Classification Sherloc (09022015). Collection method: clinical testing. Allele origin: germline.
Comment: This sequence change replaces phenylalanine, which is neutral and non-polar, with isoleucine, which is neutral and non-polar, at codon 1519 of the SCN4A protein (p.Phe1519Ile). In summary, the available evidence is currently insufficient to determine the role of this variant in disease. Therefore, it has been classified as a Variant of Uncertain Significance. Algorithms developed to predict the effect of missense changes on protein structure and function are either unavailable or do not agree on the potential impact of this missense change (SIFT: "Deleterious"; PolyPhen-2: "Possibly Damaging"; Align-GVGD: "Class C15"). This variant has not been reported in the literature in individuals affected with SCN4A-related conditions. This variant is not present in population databases (gnomAD no frequency).